The following is an entry in ClinVar:

NM_000182.5(HADHA):c.2000+8C>T

Genes: GAREM2 (GRB2 associated regulator of MAPK1 subtype 2; plus strand), HADHA (hydroxyacyl-CoA dehydrogenase trifunctional multienzyme complex subunit alpha; minus strand). Cytogenetic location: 2p23.3.
Variant type: single nucleotide variant.
Coding change: c.2000+8C>T on transcript NM_000182.5 (MANE Select); 8 bases into the intron after coding-DNA position 2000, C replaced by T.
Molecular consequence: intron variant.
Genome position (GRCh38, 1-based): chr2:26,192,302, G>A on the plus strand (C>T on the coding strand, the complement: HADHA is on the minus strand). VCF-style: chr2-26192302-G-A. GRCh37 (hg19) VCF-style: chr2-26415171-G-A.
Other names: c.2000+8C>T (NM_000182.4).
Identifiers: ClinVar variation 1559053 (VCV001559053.16), dbSNP rs750784743, ClinGen allele CA1559401.

ClinVar aggregate classification (germline): Likely benign. Review status: criteria provided, single submitter (1 of 4 stars). 2 submissions from 2 submitters: Likely benign (1). 1 of the submissions does not count toward it. Last evaluated 2025-12-31.

Conditions:
Long chain 3-hydroxyacyl-CoA dehydrogenase deficiency. Also called: Deficiency of long-chain 3-hydroxyacyl-coenzyme A dehydrogenase; LCHAD Deficiency. Identifiers: Orphanet 5, MedGen C3711645, MONDO:0012173, OMIM 609016.
Mitochondrial trifunctional protein deficiency. Identifiers: Orphanet 746, MedGen C1969443, MONDO:0012172.
HADHA-related disorder. Also called: HADHA-related disorders; HADHA-related condition.

Allele frequency attached by ClinVar (database versions not stated): TOPMed below 0.00001; ExAC 0.00001; gnomAD 0.00001; gnomAD exomes 0.00002.
gnomAD v4.1: 24 of 1,404,882 alleles (0.0017%); highest among the groups gnomAD compares: East Asian, 0.0023%; no homozygotes.

Submissions (2):

Labcorp Genetics (formerly Invitae), Labcorp
Classification: Likely benign for Mitochondrial trifunctional protein deficiency; Long chain 3-hydroxyacyl-CoA dehydrogenase deficiency. Last evaluated: 2025-12-31. Review status: criteria provided, single submitter. Criteria: Invitae Variant Classification Sherloc (09022015). Collection method: clinical testing. Allele origin: germline.

PreventionGenetics, part of Exact Sciences
Classification: Likely benign for HADHA-related condition. Last evaluated: 2019-06-03. Review status: no assertion criteria provided. Collection method: clinical testing. Allele origin: germline. Not counted in ClinVar's aggregate classification.
Comment: This variant is classified as likely benign based on ACMG/AMP sequence variant interpretation guidelines (Richards et al. 2015 PMID: 25741868, with internal and published modifications).